The following is an entry in ClinVar:

ClinVar aggregate classification (germline): Uncertain significance. Review status: criteria provided, multiple submitters, no conflicts (2 of 4 stars). 2 submissions from 2 submitters: Uncertain significance (2). Last evaluated 2023-03-20.

Conditions:
Tuberous sclerosis 1 (TSC1). Identifiers: Orphanet 805, MedGen C1854465, MONDO:0008612, OMIM 191100.
Hereditary cancer-predisposing syndrome. Also called: Neoplastic Syndromes, Hereditary; Tumor predisposition; Hereditary Cancer Syndrome; Hereditary neoplastic syndrome. Identifiers: Orphanet 140162, MedGen C0027672, MeSH D009386, MONDO:0015356.

Submissions (2):

Labcorp Genetics (formerly Invitae), Labcorp
Classification: Uncertain significance for Tuberous sclerosis 1. Last evaluated: 2023-03-20. Review status: criteria provided, single submitter. Criteria: Invitae Variant Classification Sherloc (09022015). Collection method: clinical testing. Allele origin: germline.
Comment: ClinVar contains an entry for this variant (Variation ID: 566308). In summary, the available evidence is currently insufficient to determine the role of this variant in disease. Therefore, it has been classified as a Variant of Uncertain Significance. Algorithms developed to predict the effect of sequence changes on RNA splicing suggest that this variant may disrupt the consensus splice site. Advanced modeling of protein sequence and biophysical properties (such as structural, functional, and spatial information, amino acid conservation, physicochemical variation, residue mobility, and thermodynamic stability) performed at Invitae indicates that this missense variant is not expected to disrupt TSC1 protein function. This variant has not been reported in the literature in individuals affected with TSC1-related conditions. This variant is not present in population databases (gnomAD no frequency). This sequence change replaces serine, which is neutral and polar, with threonine, which is neutral and polar, at codon 208 of the TSC1 protein (p.Ser208Thr).

Ambry Genetics
Classification: Uncertain significance for Hereditary cancer-predisposing syndrome. Last evaluated: 2023-03-10. Review status: criteria provided, single submitter. Criteria: Ambry Variant Classification Scheme 2023. Collection method: clinical testing. Allele origin: germline.
Comment: The p.S208T variant (also known as c.623G>C), located in coding exon 5 of the TSC1 gene, results from a G to C substitution at nucleotide position 623. The serine at codon 208 is replaced by threonine, an amino acid with similar properties. This amino acid position is conserved. In addition, the in silico prediction for this alteration is inconclusive. Since supporting evidence is limited at this time, the clinical significance of this alteration remains unclear.

NM_000368.5(TSC1):c.623G>C (p.Ser208Thr)

Gene: TSC1 (TSC complex subunit 1; minus strand). Cytogenetic location: 9q34.13.
Variant type: single nucleotide variant.
Coding change: c.623G>C on transcript NM_000368.5 (MANE Select); coding-DNA position 623, G replaced by C.
Protein change: p.Ser208Thr; replaces serine 208 with threonine.
Molecular consequence: missense variant.
Genome position (GRCh38, 1-based): chr9:132,921,859, C>G on the plus strand (G>C on the coding strand, the complement: TSC1 is on the minus strand). VCF-style: chr9-132921859-C-G. GRCh37 (hg19) VCF-style: chr9-135797246-C-G.
Other names: c.623G>C, p.Ser208Thr (NM_001162426.2); c.470G>C, p.Ser157Thr (NM_001162427.2); c.260G>C, p.Ser87Thr (NM_001362177.2); short protein forms S208T, S157T, S87T.
Identifiers: ClinVar variation 566308 (VCV000566308.9), dbSNP rs1264782606, ClinGen allele CA375372410.